The following is an entry in ClinVar:

NM_000051.4(ATM):c.7819T>G (p.Cys2607Gly)

Genes: ATM (ATM serine/threonine kinase; plus strand), C11orf65 (chromosome 11 open reading frame 65; minus strand). Cytogenetic location: 11q22.3.
Variant type: single nucleotide variant.
Coding change: c.7819T>G on transcript NM_000051.4 (MANE Select); coding-DNA position 7819, T replaced by G.
Protein change: p.Cys2607Gly; replaces cysteine 2607 with glycine.
Molecular consequence: missense variant. On other transcripts: intron variant (2).
Genome position (GRCh38, 1-based): chr11:108,332,792, T>G. VCF-style: chr11-108332792-T-G. GRCh37 (hg19) VCF-style: chr11-108203519-T-G.
Other names: c.7819T>G, p.Cys2607Gly (NM_001351834.2); c.641-23721A>C (NM_001330368.2); c.*38+2428A>C (NM_001351110.2); short protein forms C2607G.
Identifiers: ClinVar variation 1499617 (VCV001499617.7), dbSNP rs1459650575, ClinGen allele CA382561301.

ClinVar aggregate classification (germline): Uncertain significance (1 of 4 stars; one submission).

Conditions:
Ataxia-telangiectasia syndrome (AT). Also called: LOUIS-BAR SYNDROME; Cerebello-oculocutaneous telangiectasia; Immunodeficiency with ataxia telangiectasia; Ataxia telangiectasia (A-T); Ataxia-telangiectasia, complementation group D; AT, COMPLEMENTATION GROUP C. Identifiers: Orphanet 100, MedGen C0004135, MONDO:0008840, OMIM 208900.

Submission:

Labcorp Genetics (formerly Invitae), Labcorp
Classification: Uncertain significance for Ataxia-telangiectasia syndrome. Last evaluated: 2025-09-22. Review status: criteria provided, single submitter. Criteria: Invitae Variant Classification Sherloc (09022015). Collection method: clinical testing. Allele origin: germline.
Comment: This sequence change replaces cysteine, which is neutral and slightly polar, with glycine, which is neutral and non-polar, at codon 2607 of the ATM protein (p.Cys2607Gly). This variant is not present in population databases (gnomAD no frequency). This variant has not been reported in the literature in individuals affected with ATM-related conditions. ClinVar contains an entry for this variant (Variation ID: 1499617). Invitae Evidence Modeling of protein sequence and biophysical properties (such as structural, functional, and spatial information, amino acid conservation, physicochemical variation, residue mobility, and thermodynamic stability) indicates that this missense variant is not expected to disrupt ATM protein function with a negative predictive value of 95%. In summary, the available evidence is currently insufficient to determine the role of this variant in disease. Therefore, it has been classified as a Variant of Uncertain Significance.